The following is an entry in ClinVar:

ClinVar aggregate classification (germline): Uncertain significance (1 of 4 stars; one submission).

Conditions:
Ehlers-Danlos syndrome due to tenascin-X deficiency (EDSCLL1). Also called: EDS DUE TO TNX DEFICIENCY; TNX DEFICIENCY; TNXB-Related Classical-Like Ehlers-Danlos Syndrome; EHLERS-DANLOS SYNDROME, CLASSIC-LIKE; Ehlers-Danlos syndrome, classic-like, 1. Identifiers: Orphanet 230839, MedGen C1848029, MONDO:0011670, OMIM 606408.

Submission:

Breda Genetics srl
Classification: Uncertain significance for Ehlers-Danlos syndrome due to tenascin-X deficiency. Last evaluated: 2018-12-13. Review status: criteria provided, single submitter. Criteria: ACMG Guidelines, 2015. Collection method: clinical testing. Allele origin: germline. Inheritance: Autosomal recessive inheritance. Affected: yes. Observed: 1 variant allele, 1 heterozygote.
Comment: The variant c.2747T>C (p.Val916Ala) in the TNXB gene has not been reported in dbSNP, gnomAD, 1000 Genomes, NHLI Exome Sequencing Project (ESP) or ClinVar. The nucleotide position is conserved across 35 mammalian species (GERP RS: 5.39). In silico analysis gives inconsistent results. Based on ACMG variant interpretation guidelines we classify this variant as uncertain; however we cannot exclude that it is a rare benign variant.

NM_001365276.2(TNXB):c.2747T>C (p.Val916Ala)

Gene: TNXB (tenascin XB; minus strand). Cytogenetic location: 6p21.33.
Variant type: single nucleotide variant.
Coding change: c.2747T>C on transcript NM_001365276.2 (MANE Select); coding-DNA position 2747, T replaced by C.
Protein change: p.Val916Ala; replaces valine 916 with alanine.
Molecular consequence: missense variant.
Genome position (GRCh38, 1-based): chr6:32,088,817, A>G on the plus strand (T>C on the coding strand, the complement: TNXB is on the minus strand). VCF-style: chr6-32088817-A-G. GRCh37 (hg19) VCF-style: chr6-32056594-A-G.
Other names: c.2747T>C, p.Val916Ala (NM_019105.8); short protein forms V916A.
Identifiers: ClinVar variation 1048560 (VCV001048560.2), dbSNP rs2127272436, ClinGen allele CA363459143.